The following is an entry in ClinVar:

NM_001042492.3(NF1):c.6104del (p.Ala2035fs)

Gene: NF1 (neurofibromin 1; plus strand). Cytogenetic location: 17q11.2.
Variant type: Deletion.
Coding change: c.6104del on transcript NM_001042492.3 (MANE Select); coding-DNA position 6104, one base deleted (C; older notation c.6104delC).
Protein change: p.Ala2035fs; shifts the reading frame from alanine 2035.
Molecular consequence: frameshift variant.
Genome position (GRCh38, 1-based): chr17:31,336,430, C deleted. VCF-style (leftmost placement, unchanged base first): chr17-31336429-GC-G. GRCh37 (hg19) VCF-style: chr17-29663447-GC-G.
Other names: c.6041del, p.Ala2014fs (NM_000267.4); short protein forms A2014fs, A2035fs.
Identifiers: ClinVar variation 4860879 (VCV004860879.1).
Genomic context (GRCh38, chr17:31,336,429, plus strand): 5'-ATCAAAACCAGTGCAACAGGTGGCTTGGGATCAATAAAAGCTGAGGTGATGGCAGATACT[GC>G]TGTAGCTTTGGCTTCTGGAAATGTGAAATTGGTTTCAAGCAAGGTAATCACTTTTCTTTT-3'

ClinVar aggregate classification (germline): Pathogenic (1 of 4 stars; one submission).

Conditions:
Cardiovascular phenotype. Identifiers: MedGen CN230736.
Hereditary cancer-predisposing syndrome. Also called: Neoplastic Syndromes, Hereditary; Tumor predisposition; Hereditary Cancer Syndrome; Hereditary neoplastic syndrome. Identifiers: Orphanet 140162, MedGen C0027672, MeSH D009386, MONDO:0015356.

Submission:

Ambry Genetics
Classification: Pathogenic for Cardiovascular phenotype; Hereditary cancer-predisposing syndrome. Last evaluated: 2026-03-26. Review status: criteria provided, single submitter. Criteria: Ambry Variant Classification Scheme 2023. Collection method: clinical testing. Allele origin: germline.
Comment: The c.6041delC pathogenic mutation, located in coding exon 40 of the NF1 gene, results from a deletion of one nucleotide at nucleotide position 6041, causing a translational frameshift with a predicted alternate stop codon (p.A2014Vfs*2). This variant is considered to be rare based on population cohorts in the Genome Aggregation Database (gnomAD). This variant is expected to result in loss of function by premature protein truncation or nonsense-mediated mRNA decay. As such, this variant is interpreted as a disease-causing mutation.